The following is an entry in ClinVar:

NM_001378454.1(ALMS1):c.10533G>T (p.Trp3511Cys)

Gene: ALMS1 (ALMS1 centrosome and basal body associated protein; plus strand). Cytogenetic location: 2p13.1.
Variant type: single nucleotide variant.
Coding change: c.10533G>T on transcript NM_001378454.1 (MANE Select); coding-DNA position 10533, G replaced by T.
Protein change: p.Trp3511Cys; replaces tryptophan 3511 with cysteine.
Molecular consequence: missense variant.
Genome position (GRCh38, 1-based): chr2:73,572,410, G>T. VCF-style: chr2-73572410-G-T. GRCh37 (hg19) VCF-style: chr2-73799537-G-T.
Other names: c.10536G>T, p.Trp3512Cys (NM_015120.4); short protein forms W3512C, W3511C.
Identifiers: ClinVar variation 663532 (VCV000663532.12), dbSNP rs761712682, ClinGen allele CA1715017.

ClinVar aggregate classification (germline): Uncertain significance. Review status: criteria provided, multiple submitters, no conflicts (2 of 4 stars). 6 submissions from 6 submitters: Uncertain significance (5). 1 of the submissions does not count toward it. Last evaluated 2024-07-15.

Conditions:
Cardiovascular phenotype. Identifiers: MedGen CN230736.
Alstrom syndrome (ALMS). Identifiers: Orphanet 64, MedGen C0268425, MONDO:0008763, OMIM 203800.

Allele frequency attached by ClinVar (database versions not stated): gnomAD exomes 0.00002 and 0.00004; ExAC 0.00003; gnomAD 0.00013 and 0.00014; TOPMed 0.00015.
gnomAD v4.1: 45 of 1,610,948 alleles (0.0028%); highest among the groups gnomAD compares: African/African-American, 0.051%; no homozygotes.

Submissions (6):

GeneDx
Classification: Uncertain significance. Last evaluated: 2024-07-15. Review status: criteria provided, single submitter. Criteria: GeneDx Variant Classification Process June 2021. Collection method: clinical testing. Allele origin: germline. Affected: yes.
Comment: In silico analysis supports that this missense variant has a deleterious effect on protein structure/function; Has not been previously published as pathogenic or benign to our knowledge

Ambry Genetics
Classification: Uncertain significance for Cardiovascular phenotype. Last evaluated: 2024-02-12. Review status: criteria provided, single submitter. Criteria: Ambry Variant Classification Scheme 2023. Collection method: clinical testing. Allele origin: germline.
Comment: The p.W3512C variant (also known as c.10536G>T), located in coding exon 16 of the ALMS1 gene, results from a G to T substitution at nucleotide position 10536. The tryptophan at codon 3512 is replaced by cysteine, an amino acid with highly dissimilar properties. This amino acid position is not well conserved in available vertebrate species. In addition, this alteration is predicted to be tolerated by in silico analysis. Since supporting evidence is limited at this time, the clinical significance of this alteration remains unclear.

Blueprint Genetics
Classification: Uncertain significance. Last evaluated: 2023-10-05. Review status: criteria provided, single submitter. Criteria: ACMG Guidelines, 2015. Collection method: clinical testing. Allele origin: germline.

Labcorp Genetics (formerly Invitae), Labcorp
Classification: Uncertain significance for Alstrom syndrome. Last evaluated: 2022-09-06. Review status: criteria provided, single submitter. Criteria: Invitae Variant Classification Sherloc (09022015). Collection method: clinical testing. Allele origin: germline.
Comment: This sequence change replaces tryptophan, which is neutral and slightly polar, with cysteine, which is neutral and slightly polar, at codon 3512 of the ALMS1 protein (p.Trp3512Cys). This variant is present in population databases (rs761712682, gnomAD 0.05%). This variant has not been reported in the literature in individuals affected with ALMS1-related conditions. ClinVar contains an entry for this variant (Variation ID: 663532). Experimental studies and prediction algorithms are not available or were not evaluated, and the functional significance of this variant is currently unknown. In summary, the available evidence is currently insufficient to determine the role of this variant in disease. Therefore, it has been classified as a Variant of Uncertain Significance.

Fulgent Genetics
Classification: Uncertain significance for Alstrom syndrome. Last evaluated: 2022-03-11. Review status: criteria provided, single submitter. Criteria: ACMG Guidelines, 2015. Collection method: clinical testing. Allele origin: unknown.

Natera, Inc.
Classification: Uncertain significance for Alstrom syndrome. Last evaluated: 2021-04-28. Review status: no assertion criteria provided. Collection method: clinical testing. Allele origin: germline. Not counted in ClinVar's aggregate classification.